The following is an entry in ClinVar:

ClinVar aggregate classification (germline): Uncertain significance (1 of 4 stars; one submission).

Conditions:
Developmental and epileptic encephalopathy, 31A. Also called: Developmental and epileptic encephalopathy, 31; Epileptic encephalopathy, early infantile, 31. Identifiers: Orphanet 2382, MedGen C4225357, MONDO:0014598, OMIM 616346.

Submission:

Labcorp Genetics (formerly Invitae), Labcorp
Classification: Uncertain significance for Developmental and epileptic encephalopathy, 31A. Last evaluated: 2021-09-24. Review status: criteria provided, single submitter. Criteria: Invitae Variant Classification Sherloc (09022015). Collection method: clinical testing. Allele origin: germline.
Comment: This sequence change replaces threonine with lysine at codon 747 of the DNM1 protein (p.Thr747Lys). The threonine residue is moderately conserved and there is a moderate physicochemical difference between threonine and lysine. This variant is not present in population databases (ExAC no frequency). This variant has not been reported in the literature in individuals affected with DNM1-related conditions. Algorithms developed to predict the effect of missense changes on protein structure and function are either unavailable or do not agree on the potential impact of this missense change (SIFT: "Deleterious"; PolyPhen-2: "Possibly Damaging"; Align-GVGD: "Class C0"). In summary, the available evidence is currently insufficient to determine the role of this variant in disease. Therefore, it has been classified as a Variant of Uncertain Significance.

NM_004408.4(DNM1):c.2240C>A (p.Thr747Lys)

Gene: DNM1 (dynamin 1; plus strand). Cytogenetic location: 9q34.11.
Variant type: single nucleotide variant.
Coding change: c.2240C>A on transcript NM_004408.4 (MANE Select); coding-DNA position 2240, C replaced by A.
Protein change: p.Thr747Lys; replaces threonine 747 with lysine.
Molecular consequence: missense variant.
Genome position (GRCh38, 1-based): chr9:128,250,278, C>A. VCF-style: chr9-128250278-C-A. GRCh37 (hg19) VCF-style: chr9-131012557-C-A.
Other names: c.2240C>A, p.Thr747Lys (NM_001005336.3, NM_001288737.2, NM_001288738.2 and 2 more transcripts); short protein forms T747K.
Identifiers: ClinVar variation 1477272 (VCV001477272.6), dbSNP rs1829432262, ClinGen allele CA375001051.